The following is an entry in ClinVar:

ClinVar aggregate classification (germline): Likely pathogenic (1 of 4 stars; one submission).

Conditions:
Hemochromatosis type 1 (HFE1). Also called: HFE-Related Hemochromatosis; HFE-Associated Hereditary Hemochromatosis. Identifiers: Orphanet 465508, MedGen C3469186, MONDO:0021001, OMIM 235200. Disease mechanism: loss of function.

Submission:

Women's Health and Genetics/Laboratory Corporation of America, LabCorp
Classification: Likely pathogenic for Hemochromatosis type 1. Last evaluated: 2025-12-17. Review status: criteria provided, single submitter. Criteria: LabCorp Variant Classification Summary - May 2015. Collection method: clinical testing. Allele origin: germline.
Comment: Variant summary: HFE c.691_693delTAC (p.Tyr231del) results in an in-frame deletion that is predicted to remove one amino acid from the encoded protein. The variant allele was found at a frequency of 3.6e-05 in 251484 control chromosomes. c.691_693delTAC has been observed in individual(s) affected with Hemochromatosis Type 1 (Takano_2011, Li_2024). These data indicate that the variant may be associated with disease. At least one publication reports experimental evidence evaluating an impact on protein function. The most pronounced variant effect results in defective HFE traffic to the cell surface and was associated with inadequate hepcidin expression (Vecchi_2010). The following publications have been ascertained in the context of this evaluation (PMID: 29295803, 38800953, 22093335, 20017200). ClinVar contains an entry for this variant (Variation ID: 1217279). Based on the evidence outlined above, the variant was classified as likely pathogenic.

Literature cited by the submitters: PubMed 29295803; PubMed 22093335; PubMed 20017200; PubMed 38800953.

NM_000410.4(HFE):c.688TAC[1] (p.Tyr231del)

Gene: HFE (homeostatic iron regulator; plus strand). Cytogenetic location: 6p22.2.
Variant type: Microsatellite.
Coding change: c.688TAC[1] on transcript NM_000410.4 (MANE Select); one copy of the 3-base unit TAC starting at c.688; the reference has two copies in a row; one copy, 3 bases deleted.
Protein change: p.Tyr231del; deletes tyrosine 231.
Molecular consequence: inframe deletion. On other transcripts: inframe indel (5), intron variant (1).
Genome position (GRCh38, 1-based): chr6:26,092,759-26,092,761, TAC deleted; deleting any 3 consecutive bases within chr6:26,092,754-26,092,761 gives the same sequence; the position shown is the placement nearest the transcript's 3' end. VCF-style (leftmost placement, unchanged base first): chr6-26092753-AACT-A. GRCh37 (hg19) VCF-style: chr6-26092981-AACT-A.
Other names: c.691_693delTAC (NM_000410.3, NM_000410.4); c.688_690TAC[1], p.Tyr231del (NM_000410.3, NM_001300749.3); c.688TAC[1], p.Tyr231del (NM_001384164.1); c.679_681TAC[1], p.Tyr228del (NM_001406751.1); c.424_426TAC[1], p.Tyr143del (NM_001406752.1); c.370TAC[1], p.Tyr125del (NM_139003.3); c.412TAC[1], p.Tyr139del (NM_139004.3); c.646TAC[1], p.Tyr217del (NM_139006.3); and 5 more; short protein forms Y125del, Y129del, Y139del, Y143del, Y208del, Y217del, Y231del, Y51del.
Identifiers: ClinVar variation 1217279 (VCV001217279.4), dbSNP rs766992720, ClinGen allele CA3666717.